The following is an entry in ClinVar:

ClinVar aggregate classification (germline): Uncertain significance (1 of 4 stars; one submission).

Conditions:
Hereditary spastic paraplegia 48. Also called: SPASTIC PARAPLEGIA 48, AUTOSOMAL RECESSIVE; Spastic paraplegia 48. Identifiers: Orphanet 306511, MedGen C3150901, MONDO:0013342, OMIM 613647.

Submission:

Labcorp Genetics (formerly Invitae), Labcorp
Classification: Uncertain significance for Hereditary spastic paraplegia 48. Last evaluated: 2025-03-27. Review status: criteria provided, single submitter. Criteria: Invitae Variant Classification Sherloc (09022015). Collection method: clinical testing. Allele origin: germline.
Comment: This sequence change falls in intron 13 of the AP5Z1 gene. It does not directly change the encoded amino acid sequence of the AP5Z1 protein. Information on the frequency of this variant in the gnomAD database is not available, as this variant may be reported differently in the database. This variant has not been reported in the literature in individuals affected with AP5Z1-related conditions. Experimental studies and prediction algorithms are not available or were not evaluated, and the effect of this variant on mRNA splicing is currently unknown. In summary, the available evidence is currently insufficient to determine the role of this variant in disease. Therefore, it has been classified as a Variant of Uncertain Significance.

NM_014855.3(AP5Z1):c.1707+11_1707+12inv

Gene: AP5Z1 (adaptor related protein complex 5 subunit zeta 1; plus strand). Cytogenetic location: 7p22.1.
Variant type: Inversion.
Coding change: c.1707+11_1707+12inv on transcript NM_014855.3 (MANE Select).
Molecular consequence: intron variant.
Genome position: GRCh38 VCF-style: chr7-4788962-TG-CA. GRCh37 (hg19) VCF-style: chr7-4828593-TG-CA.
Other names: c.1239+11_1239+12inv (NM_001364858.1).
Identifiers: ClinVar variation 4740590 (VCV004740590.1).